The following is an entry in ClinVar:

NM_004260.4(RECQL4):c.38C>T (p.Ala13Val)

Genes: RECQL4 (RecQ like helicase 4; minus strand), LOC130001411 (ATAC-STARR-seq lymphoblastoid silent region 19699; plus strand). Cytogenetic location: 8q24.3.
Variant type: single nucleotide variant.
Coding change: c.38C>T on transcript NM_004260.4 (MANE Select); coding-DNA position 38, C replaced by T.
Protein change: p.Ala13Val; replaces alanine 13 with valine.
Molecular consequence: missense variant.
Genome position (GRCh38, 1-based): chr8:144,517,747, G>A on the plus strand (C>T on the coding strand, the complement: RECQL4 is on the minus strand). VCF-style: chr8-144517747-G-A. GRCh37 (hg19) VCF-style: chr8-145743131-G-A.
Other names: short protein forms A13V.
Identifiers: ClinVar variation 665774 (VCV000665774.8), dbSNP rs1489214833, ClinGen allele CA372693877.

ClinVar aggregate classification (germline): Uncertain significance (1 of 4 stars; one submission).

Conditions:
Baller-Gerold syndrome (BGS). Also called: CRANIOSYNOSTOSIS WITH RADIAL DEFECTS. Identifiers: Orphanet 1225, MedGen C0265308, MONDO:0009039, OMIM 218600.

Allele frequency attached by ClinVar (database versions not stated): gnomAD 0.00001; gnomAD exomes 0.00001.
gnomAD v4.1: 15 of 1,329,502 alleles (0.0011%); highest among the groups gnomAD compares: South Asian, 0.0019%; no homozygotes.

Submission:

Labcorp Genetics (formerly Invitae), Labcorp
Classification: Uncertain significance for Baller-Gerold syndrome. Last evaluated: 2024-07-17. Review status: criteria provided, single submitter. Criteria: Invitae Variant Classification Sherloc (09022015). Collection method: clinical testing. Allele origin: germline.
Comment: This sequence change replaces alanine, which is neutral and non-polar, with valine, which is neutral and non-polar, at codon 13 of the RECQL4 protein (p.Ala13Val). The frequency data for this variant in the population databases is considered unreliable, as metrics indicate poor data quality at this position in the gnomAD database. This variant has not been reported in the literature in individuals affected with RECQL4-related conditions. ClinVar contains an entry for this variant (Variation ID: 665774). Experimental studies and prediction algorithms are not available or were not evaluated, and the functional significance of this variant is currently unknown. Algorithms developed to predict the effect of sequence changes on RNA splicing suggest that this variant may create or strengthen a splice site. In summary, the available evidence is currently insufficient to determine the role of this variant in disease. Therefore, it has been classified as a Variant of Uncertain Significance.